The following is an entry in ClinVar:

ClinVar aggregate classification (germline): Pathogenic/Likely pathogenic. Review status: criteria provided, multiple submitters, no conflicts (2 of 4 stars). 2 submissions from 2 submitters: Pathogenic (1); Likely pathogenic (1). Last evaluated 2026-09-14.

Conditions:
Infantile-onset ascending hereditary spastic paralysis (IAHSP). Also called: Infantile-Onset Ascending Hereditary Spastic Paralysis (IAHSP); Autosomal Recessive Juvenile Amyotrophic Lateral Sclerosis. Identifiers: Orphanet 293168, MedGen C2931441, MONDO:0011797, OMIM 607225. Disease mechanism: loss of function.
ALS2-related disorder. Also called: ALS2-related condition; ALS2-related disorders; ALS2-Related Spectrum Disorders. Identifiers: MedGen CN169291.

Submissions (2):

PreventionGenetics, part of Exact Sciences
Classification: Likely pathogenic for ALS2-related condition. Last evaluated: 2026-09-14. Review status: criteria provided, single submitter. Criteria: ACMG Guidelines, 2015. Collection method: clinical testing. Allele origin: germline.
Comment: The ALS2 c.2839C>T variant is predicted to result in premature protein termination (p.Gln947*). To our knowledge, this variant has not been reported in the literature or in a large population database (gnomAD), indicating this variant is rare. Nonsense variants in ALS2 are expected to be pathogenic. This variant is interpreted as likely pathogenic.

Labcorp Genetics (formerly Invitae), Labcorp
Classification: Pathogenic for Infantile-onset ascending hereditary spastic paralysis. Last evaluated: 2022-07-15. Review status: criteria provided, single submitter. Criteria: Invitae Variant Classification Sherloc (09022015). Collection method: clinical testing. Allele origin: germline.
Comment: For these reasons, this variant has been classified as Pathogenic. This variant has not been reported in the literature in individuals affected with ALS2-related conditions. This variant is not present in population databases (gnomAD no frequency). This sequence change creates a premature translational stop signal (p.Gln947*) in the ALS2 gene. It is expected to result in an absent or disrupted protein product. Loss-of-function variants in ALS2 are known to be pathogenic (PMID: 11586298, 24315819).

Literature cited by the submitters: PubMed 11586298 (cited by Labcorp Genetics (formerly Invitae), Labcorp); PubMed 24315819 (cited by Labcorp Genetics (formerly Invitae), Labcorp).

NM_020919.4(ALS2):c.2839C>T (p.Gln947Ter)

Gene: ALS2 (alsin Rho guanine nucleotide exchange factor ALS2; minus strand). Cytogenetic location: 2q33.1.
Variant type: single nucleotide variant.
Coding change: c.2839C>T on transcript NM_020919.4 (MANE Select); coding-DNA position 2839, C replaced by T.
Protein change: p.Gln947Ter; replaces glutamine 947 with a stop codon.
Molecular consequence: nonsense.
Genome position (GRCh38, 1-based): chr2:201,728,514, G>A on the plus strand (C>T on the coding strand, the complement: ALS2 is on the minus strand). VCF-style: chr2-201728514-G-A. GRCh37 (hg19) VCF-style: chr2-202593237-G-A.
Other names: c.2839C>T (NM_020919.3); c.2839C>T, p.Gln947Ter (NM_001410975.1); short protein forms Q947*.
Identifiers: ClinVar variation 2155448 (VCV002155448.5), dbSNP rs2469784078, ClinGen allele CA350322586.